The following is an entry in ClinVar:

NM_000264.5(PTCH1):c.3281T>A (p.Val1094Glu)

Gene: PTCH1 (patched 1; minus strand). Cytogenetic location: 9q22.32.
Variant type: single nucleotide variant.
Coding change: c.3281T>A on transcript NM_000264.5 (MANE Select); coding-DNA position 3281, T replaced by A.
Protein change: p.Val1094Glu; replaces valine 1094 with glutamic acid.
Molecular consequence: missense variant. On other transcripts: non-coding transcript variant (1).
Genome position (GRCh38, 1-based): chr9:95,456,301, A>T on the plus strand (T>A on the coding strand, the complement: PTCH1 is on the minus strand). VCF-style: chr9-95456301-A-T. GRCh37 (hg19) VCF-style: chr9-98218583-A-T.
Other names: c.3083T>A, p.Val1028Glu (NM_001083602.3); c.3278T>A, p.Val1093Glu (NM_001083603.3); c.2828T>A, p.Val943Glu (NM_001083604.3, NM_001083605.3, NM_001083606.3 and 1 more transcripts); c.3125T>A, p.Val1042Glu (NM_001354918.2); short protein forms V1042E, V1094E, V943E, V1028E, V1093E.
Identifiers: ClinVar variation 3784680 (VCV003784680.2).

ClinVar aggregate classification (germline): Uncertain significance (1 of 4 stars; one submission).

Conditions:
Hereditary cancer-predisposing syndrome. Also called: Hereditary Cancer Syndrome; Hereditary neoplastic syndrome; Neoplastic Syndromes, Hereditary; Tumor predisposition. Identifiers: Orphanet 140162, MedGen C0027672, MeSH D009386, MONDO:0015356.

gnomAD v4.1: 1 of 1,613,722 alleles (0.000062%); highest among the groups gnomAD compares: South Asian, 0.0011%; no homozygotes.

Submission:

Ambry Genetics
Classification: Uncertain significance for Hereditary cancer-predisposing syndrome. Last evaluated: 2026-07-07. Review status: criteria provided, single submitter. Criteria: Ambry Variant Classification Scheme 2023. Collection method: clinical testing. Allele origin: germline.
Comment: The p.V1094E variant (also known as c.3281T>A), located in coding exon 19 of the PTCH1 gene, results from a T to A substitution at nucleotide position 3281. The valine at codon 1094 is replaced by glutamic acid, an amino acid with dissimilar properties. This amino acid position is highly conserved in available vertebrate species. In addition, this alteration is predicted to be deleterious by in silico analysis. Based on the available evidence, the clinical significance of this variant remains unclear.